The following is an entry in ClinVar:

ClinVar aggregate classification (germline): Likely pathogenic (0 of 4 stars; one submission).

Conditions:
Multiple endocrine neoplasia, type 1 (MEN1). Also called: MEA I; MEN I; WERMER SYNDROME; Endocrine adenomatosis multiple; MEN 1. Identifiers: Orphanet 652, MedGen C0025267, MeSH D018761, MONDO:0007540, OMIM 131100.

Submission:

Cancer Genetics and Diagnostic Laboratory, The Kolling Institute
Classification: Likely pathogenic for Multiple endocrine neoplasia, type 1. Last evaluated: 2026-04-07. Review status: no assertion criteria provided. Collection method: research. Allele origin: germline. Affected: yes.
Comment: The MEN1 c.487G>C variant is a single nucleotide change in exon 3/10 of the MEN1 gene, which is predicted to change the amino acid glycine at position 163 in the protein to arginine. This variant has previously been detected in a patient clinically diagnosed with MEN1 (PMID:29497973) and is absent from population databases (gnomAD v4.1.0) (PS4_supporting). Computational predictions support a deleterious effect on the gene or gene product (REVEL 0.82) (PP3). The clinical features of this case are highly specific for the MEN1 gene (PP4). In summary, the variant meets criteria to be classified as likely pathogenic for MEN1 based on the ACMG/AMP criteria applied: PM2_supporting, PS4_Supporting, PP3, PP4.

Literature cited by the submitters: PubMed 29497973.

NM_001370259.2(MEN1):c.487G>C (p.Gly163Arg)

Gene: MEN1 (menin 1; minus strand). Cytogenetic location: 11q13.1.
Variant type: single nucleotide variant.
Coding change: c.487G>C on transcript NM_001370259.2 (MANE Select); coding-DNA position 487, G replaced by C.
Protein change: p.Gly163Arg; replaces glycine 163 with arginine.
Molecular consequence: missense variant. On other transcripts: non-coding transcript variant (4).
Genome position (GRCh38, 1-based): chr11:64,808,058, C>G on the plus strand (G>C on the coding strand, the complement: MEN1 is on the minus strand). VCF-style: chr11-64808058-C-G. GRCh37 (hg19) VCF-style: chr11-64575530-C-G.
Other names: c.502G>C, p.Gly168Arg (NM_000244.4, NM_001407145.1, NM_001407150.1 and 5 more transcripts); c.487G>C, p.Gly163Arg (NM_001370251.2, NM_001370260.2, NM_001370261.2 and 12 more transcripts); short protein forms G163R, G168R.
Identifiers: ClinVar variation 4850489 (VCV004850489.1).